The following is an entry in ClinVar:

NC_000004.11:g.(?_186423428)_(186456608_?)dup

Genes: PDLIM3 (PDZ and LIM domain 3; minus strand), LOC126807246 (BRD4-independent group 4 enhancer GRCh37_chr4:186434842-186436041; plus strand). Cytogenetic location: 4q35.1.
Variant type: Duplication.
Identifiers: ClinVar variation 584088 (VCV000584088.3).

ClinVar aggregate classification (germline): Uncertain significance (1 of 4 stars; one submission).

Conditions:
Primary dilated cardiomyopathy (DCM). Also called: Dilated Cardiomyopathy. Identifiers: Orphanet 217604, MedGen C0007193, MeSH D002311, MONDO:0005021, HP:0001644. Inheritance: Various modes of inheritance.
Hypertrophic cardiomyopathy. Also called: HYPERTROPHIC MYOCARDIOPATHY. Identifiers: Orphanet 217569, MedGen C0007194, MeSH D002312, MONDO:0005045, HP:0001639.

Submission:

Labcorp Genetics (formerly Invitae), Labcorp
Classification: Uncertain significance for Hypertrophic cardiomyopathy; Primary dilated cardiomyopathy. Last evaluated: 2019-02-25. Review status: criteria provided, single submitter. Criteria: Invitae Variant Classification Sherloc (09022015). Collection method: clinical testing. Allele origin: germline.
Comment: This variant results in a copy number gain of the genomic region encompassing the full coding sequence of the PDLIM3 gene. The boundaries of this event are unknown as they extend beyond the assayed region for this gene and therefore may encompass additional genes. As the precise location of this event is unknown, it may be in tandem or it may be located elsewhere in the genome. This variant has not been reported in the literature in individuals with PDLIM3-related conditions. In summary, the available evidence is currently insufficient to determine the role of this variant in disease. Therefore, it has been classified as a Variant of Uncertain Significance.